The following is an entry in ClinVar:

NM_000360.4(TH):c.1271A>C (p.Asp424Ala)

Gene: TH (tyrosine hydroxylase; minus strand). Cytogenetic location: 11p15.5.
Variant type: single nucleotide variant.
Coding change: c.1271A>C on transcript NM_000360.4 (MANE Select); coding-DNA position 1271, A replaced by C.
Protein change: p.Asp424Ala; replaces aspartic acid 424 with alanine.
Molecular consequence: missense variant.
Genome position (GRCh38, 1-based): chr11:2,165,295, T>G on the plus strand (A>C on the coding strand, the complement: TH is on the minus strand). VCF-style: chr11-2165295-T-G. GRCh37 (hg19) VCF-style: chr11-2186525-T-G.
Other names: c.1364A>C, p.Asp455Ala (NM_199292.3); c.1352A>C, p.Asp451Ala (NM_199293.3); short protein forms D424A, D451A, D455A.
Identifiers: ClinVar variation 1346638 (VCV001346638.3), dbSNP rs1590165136, ClinGen allele CA379125076.

ClinVar aggregate classification (germline): Uncertain significance (1 of 4 stars; one submission).

Conditions:
TH-deficient dopa-responsive dystonia. Also called: Tyrosine Hydroxylase-Deficient Dopa-Responsive Dystonia; Segawa syndrome, autosomal recessive; DYT-TH. Identifiers: Orphanet 101150, MedGen C2673535, MONDO:0011551, OMIM 605407.

Submission:

Labcorp Genetics (formerly Invitae), Labcorp
Classification: Uncertain significance for TH-deficient dopa-responsive dystonia. Last evaluated: 2021-10-23. Review status: criteria provided, single submitter. Criteria: Invitae Variant Classification Sherloc (09022015). Collection method: clinical testing. Allele origin: germline.
Comment: This sequence change replaces aspartic acid with alanine at codon 455 of the TH protein (p.Asp455Ala). The aspartic acid residue is highly conserved and there is a moderate physicochemical difference between aspartic acid and alanine. This variant is not present in population databases (ExAC no frequency). This variant has not been reported in the literature in individuals affected with TH-related conditions. Advanced modeling of protein sequence and biophysical properties (such as structural, functional, and spatial information, amino acid conservation, physicochemical variation, residue mobility, and thermodynamic stability) performed at Invitae indicates that this missense variant is expected to disrupt TH protein function. In summary, the available evidence is currently insufficient to determine the role of this variant in disease. Therefore, it has been classified as a Variant of Uncertain Significance.